The following is an entry in ClinVar:

ClinVar aggregate classification (germline): Likely benign. Review status: criteria provided, single submitter (1 of 4 stars). 2 submissions from 2 submitters: Likely benign (1). 1 of the submissions does not count toward it. Last evaluated 2024-03-14.

Conditions:
ACAD9-related disorder. Also called: ACAD9-related condition.

Allele frequency attached by ClinVar (database versions not stated): TOPMed 0.00002; gnomAD 0.00003; ESP Exome Variant Server 0.00008.
gnomAD v4.1: 28 of 1,614,074 alleles (0.0017%); highest among the groups gnomAD compares: Middle Eastern, 0.016%; no homozygotes.

Submissions (2):

Labcorp Genetics (formerly Invitae), Labcorp
Classification: Likely benign. Last evaluated: 2024-03-14. Review status: criteria provided, single submitter. Criteria: Invitae Variant Classification Sherloc (09022015). Collection method: clinical testing. Allele origin: germline.

PreventionGenetics, part of Exact Sciences
Classification: Likely benign for ACAD9-related condition. Last evaluated: 2019-03-18. Review status: no assertion criteria provided. Collection method: clinical testing. Allele origin: germline. Not counted in ClinVar's aggregate classification.
Comment: This variant is classified as likely benign based on ACMG/AMP sequence variant interpretation guidelines (Richards et al. 2015 PMID: 25741868, with internal and published modifications).

NM_014049.5(ACAD9):c.1308C>T (p.Ile436=)

Gene: ACAD9 (acyl-CoA dehydrogenase family member 9; plus strand). Cytogenetic location: 3q21.3.
Variant type: single nucleotide variant.
Coding change: c.1308C>T on transcript NM_014049.5 (MANE Select); coding-DNA position 1308, C replaced by T.
Protein change: p.Ile436=; no amino-acid change (isoleucine 436 retained).
Molecular consequence: synonymous variant. On other transcripts: non-coding transcript variant (1).
Genome position (GRCh38, 1-based): chr3:128,908,214, C>T. VCF-style: chr3-128908214-C-T. GRCh37 (hg19) VCF-style: chr3-128627057-C-T.
Identifiers: ClinVar variation 799598 (VCV000799598.12), dbSNP rs377333176, ClinGen allele CA2601495.